The following is an entry in ClinVar:

ClinVar aggregate classification (germline): Uncertain significance. Review status: criteria provided, multiple submitters, no conflicts (2 of 4 stars). 2 submissions from 2 submitters: Uncertain significance (2). Last evaluated 2025-07-20.

Conditions:
Inborn genetic diseases. Identifiers: MedGen C0950123, MeSH D030342.

Submissions (2):

GeneDx
Classification: Uncertain significance. Last evaluated: 2025-07-20. Review status: criteria provided, single submitter. Criteria: GeneDx Variant Classification Process June 2021. Collection method: clinical testing. Allele origin: germline. Affected: yes.
Comment: Not observed at significant frequency in large population cohorts (gnomAD); In silico analysis suggests that this missense variant does not alter protein structure/function; Has not been previously published as pathogenic or benign to our knowledge

Ambry Genetics
Classification: Uncertain significance for Inborn genetic diseases. Last evaluated: 2025-04-08. Review status: criteria provided, single submitter. Criteria: Ambry Variant Classification Scheme 2023. Collection method: clinical testing. Allele origin: germline.

NM_138459.5(NUS1):c.206A>T (p.His69Leu)

Gene: NUS1 (NUS1 dehydrodolichyl diphosphate synthase subunit; plus strand). Cytogenetic location: 6q22.1.
Variant type: single nucleotide variant.
Coding change: c.206A>T on transcript NM_138459.5 (MANE Select); coding-DNA position 206, A replaced by T.
Protein change: p.His69Leu; replaces histidine 69 with leucine.
Molecular consequence: missense variant.
Genome position (GRCh38, 1-based): chr6:117,675,876, A>T. VCF-style: chr6-117675876-A-T. GRCh37 (hg19) VCF-style: chr6-117997039-A-T.
Other names: short protein forms H69L.
Identifiers: ClinVar variation 3923014 (VCV003923014.2).
Genomic context (GRCh38, chr6:117,675,876, plus strand): 5'-TAGCGCCGCTCGGCTTCACGCTCCGCAAGCCCCCGGCAGTCGGCAGGAACCGCCGTCACC[A>T]CCGGCACCCGCGCGGGGGGTCGTGCCTGGCAGCCGCACACCACCGGATGCGCTGGCGCGC-3'
Protein context (NP_612468.1, residues 59-79): PPAVGRNRRH[His69Leu]RHPRGGSCLA